The following is an entry in ClinVar:

ClinVar aggregate classification (germline): Uncertain significance. Review status: criteria provided, multiple submitters, no conflicts (2 of 4 stars). 7 submissions from 7 submitters: Uncertain significance (6). 1 of the submissions does not count toward it. Last evaluated 2026-09-08.

Conditions:
Methylmalonic aciduria, cblA type (MACA). Also called: Methylmalonic aciduria, vitamin B12-responsive; Vitamin B12-responsive methylmalonic acidemia type cblA; Methylmalonic aciduria, vitamin b12-responsive, due to defect in synthesis of adenosylcobalamin, cbla complementation type; MMA cbl A type; Methylmalonic acidemia cblA type. Identifiers: Orphanet 28, Orphanet 79310, MedGen C1855109, MONDO:0009613, OMIM 251100.
Inborn genetic diseases. Identifiers: MedGen C0950123, MeSH D030342.

Allele frequency attached by ClinVar (database versions not stated): gnomAD exomes 0.00001; TOPMed 0.00005.
gnomAD v4.1: 4 of 1,614,110 alleles (0.00025%); highest among the groups gnomAD compares: Admixed American, 0.0017%; no homozygotes.

Submissions (7):

Myriad Genetics, Inc.
Classification: Uncertain significance for Methylmalonic aciduria, cblA type. Last evaluated: 2026-09-08. Review status: criteria provided, single submitter. Criteria: Myriad Autosomal Dominant, Autosomal Recessive and X-Linked Classification Criteria (2023). Collection method: clinical testing. Allele origin: unknown.
Comment: NM_172250.2(MMAA):c.1142C>T(T381I) is a missense variant classified as a variant of uncertain significance in the context of methylmalonic acidemia, cblA type. T381I has been observed in a case with relevant disease (PMID: 39468051). Relevant functional assessments of this variant are not available in the literature. T381I has not been observed in referenced population frequency databases. In summary, there is insufficient evidence to classify NM_172250.2(MMAA):c.1142C>T(T381I) as pathogenic or benign. Please note: this variant was assessed in the context of healthy population screening.

Fulgent Genetics
Classification: Uncertain significance for Methylmalonic aciduria, cblA type. Last evaluated: 2024-05-14. Review status: criteria provided, single submitter. Criteria: ACMG Guidelines, 2015. Collection method: clinical testing. Allele origin: germline.

Illumina Laboratory Services, Illumina
Classification: Uncertain significance. Last evaluated: 2022-09-23. Review status: criteria provided, single submitter. Criteria: ICSL CNVClassificationCriteria Aug2020. Collection method: clinical testing. Allele origin: unknown. Affected: yes.
Comment: The MMAA c.1142C>T (p.Thr381Ile) missense variant results in the substitution of threonine at amino acid position 381 with isoleucine. To our knowledge, this variant has not been reported in the peer-reviewed literature. This variant is not found in version 2.1.1 or version 3.1.2 of the Genome Aggregation Database. Based on the available evidence, the c.1142C>T (p.Thr381Ile) variant is classified as a variant of uncertain significance for methylmalonic aciduria, cblA type.

Labcorp Genetics (formerly Invitae), Labcorp
Classification: Uncertain significance for Methylmalonic aciduria, cblA type. Last evaluated: 2022-08-19. Review status: criteria provided, single submitter. Criteria: Invitae Variant Classification Sherloc (09022015). Collection method: clinical testing. Allele origin: germline.
Comment: This sequence change replaces threonine, which is neutral and polar, with isoleucine, which is neutral and non-polar, at codon 381 of the MMAA protein (p.Thr381Ile). This variant is not present in population databases (gnomAD no frequency). This variant has not been reported in the literature in individuals affected with MMAA-related conditions. ClinVar contains an entry for this variant (Variation ID: 377200). Advanced modeling of protein sequence and biophysical properties (such as structural, functional, and spatial information, amino acid conservation, physicochemical variation, residue mobility, and thermodynamic stability) performed at Invitae indicates that this missense variant is not expected to disrupt MMAA protein function. In summary, the available evidence is currently insufficient to determine the role of this variant in disease. Therefore, it has been classified as a Variant of Uncertain Significance.

Ambry Genetics
Classification: Uncertain significance for Inborn genetic diseases. Last evaluated: 2021-09-21. Review status: criteria provided, single submitter. Criteria: Ambry Variant Classification Scheme 2023. Collection method: clinical testing. Allele origin: germline.

Center for Pediatric Genomic Medicine, Children's Mercy Hospital and Clinics
Classification: Uncertain significance. Last evaluated: 2017-02-08. Review status: criteria provided, single submitter. Criteria: ACMG Guidelines, 2015. Collection method: clinical testing. Allele origin: germline.
ClinVar note: Converted during submission from Uncertain Significance to Uncertain significance.

Natera, Inc.
Classification: Uncertain significance for Methylmalonic aciduria cblA type. Last evaluated: 2020-03-04. Review status: no assertion criteria provided. Collection method: clinical testing. Allele origin: germline. Not counted in ClinVar's aggregate classification.

Literature cited by the submitters: PubMed 39468051 (cited by Myriad Genetics, Inc.).

NM_172250.3(MMAA):c.1142C>T (p.Thr381Ile)

Gene: MMAA (metabolism of cobalamin associated A; plus strand). Cytogenetic location: 4q31.21.
Variant type: single nucleotide variant.
Coding change: c.1142C>T on transcript NM_172250.3 (MANE Select); coding-DNA position 1142, C replaced by T.
Protein change: p.Thr381Ile; replaces threonine 381 with isoleucine.
Molecular consequence: missense variant.
Genome position (GRCh38, 1-based): chr4:145,655,319, C>T. VCF-style: chr4-145655319-C-T. GRCh37 (hg19) VCF-style: chr4-146576471-C-T.
Other names: c.1142C>T (NM_172250.2); short protein forms T381I.
Identifiers: ClinVar variation 377200 (VCV000377200.14), dbSNP rs1057520160, ClinGen allele CA16603300.